The following is an entry in ClinVar:

ClinVar aggregate classification (germline): Uncertain significance (1 of 4 stars; one submission).

Submission:

GeneDx
Classification: Uncertain significance. Last evaluated: 2023-12-14. Review status: criteria provided, single submitter. Criteria: GeneDx Variant Classification Process June 2021. Collection method: clinical testing. Allele origin: germline. Affected: yes.
Comment: Not observed at significant frequency in large population cohorts (gnomAD); Canonical splice site variant in a gene or region of a gene for which loss of function is not a well-established mechanism of disease; Has not been previously published as pathogenic or benign to our knowledge

NM_002576.5(PAK1):c.772+1G>C

Gene: PAK1 (p21 (RAC1) activated kinase 1; minus strand). Cytogenetic location: 11q13.5.
Variant type: single nucleotide variant.
Coding change: c.772+1G>C on transcript NM_002576.5 (MANE Select); the canonical splice donor site of the intron after coding-DNA position 772, G replaced by C.
Molecular consequence: splice donor variant. On other transcripts: intron variant (1).
Genome position (GRCh38, 1-based): chr11:77,355,667, C>G on the plus strand (G>C on the coding strand, the complement: PAK1 is on the minus strand). VCF-style: chr11-77355667-C-G. GRCh37 (hg19) VCF-style: chr11-77066712-C-G.
Other names: c.478+1G>C (NM_001376304.1, NM_001376305.1, NM_001376302.1); c.772+1G>C (NM_001376273.1, NM_001376268.1, NM_001376290.1 and 25 more transcripts); c.523+1G>C (NM_001376301.1); c.597+3231G>C (NM_001376303.1); c.793+1G>C (NM_001376272.1).
Identifiers: ClinVar variation 3365547 (VCV003365547.1).